The following is an entry in ClinVar:

NM_022042.4(SLC26A1):c.1433C>T (p.Ala478Val)

Genes: IDUA (alpha-L-iduronidase; plus strand), SLC26A1 (solute carrier family 26 member 1; minus strand). Cytogenetic location: 4p16.3.
Variant type: single nucleotide variant.
Coding change: c.1433C>T on transcript NM_022042.4 (MANE Select); coding-DNA position 1433, C replaced by T.
Protein change: p.Ala478Val; replaces alanine 478 with valine.
Molecular consequence: missense variant. On other transcripts: intron variant (2).
Genome position (GRCh38, 1-based): chr4:989,506, G>A on the plus strand (C>T on the coding strand, the complement: SLC26A1 is on the minus strand). VCF-style: chr4-989506-G-A. GRCh37 (hg19) VCF-style: chr4-983294-G-A.
Other names: c.1433C>T, p.Ala478Val (NM_213613.4); c.576+1622C>T (NM_134425.4); c.299+1557G>A (NM_000203.5); short protein forms A478V.
Identifiers: ClinVar variation 2389036 (VCV002389036.3), dbSNP rs771589744, ClinGen allele CA2801376.

ClinVar aggregate classification (germline): Uncertain significance. Review status: criteria provided, multiple submitters, no conflicts (2 of 4 stars). 2 submissions from 2 submitters: Uncertain significance (2). Last evaluated 2025-08-26.

Conditions:
Inborn genetic diseases. Identifiers: MedGen C0950123, MeSH D030342.

Allele frequency attached by ClinVar (database versions not stated): gnomAD exomes 0.00002; gnomAD 0.00003; ExAC 0.00007; TOPMed 0.00007; 1000 Genomes Project 30x 0.00016.
gnomAD v4.1: 33 of 1,553,326 alleles (0.0021%); highest among the groups gnomAD compares: Admixed American, 0.019%; no homozygotes.

Submissions (2):

Labcorp Genetics (formerly Invitae), Labcorp
Classification: Uncertain significance. Last evaluated: 2025-08-26. Review status: criteria provided, single submitter. Criteria: Invitae Variant Classification Sherloc (09022015). Collection method: clinical testing. Allele origin: germline.
Comment: This sequence change replaces alanine, which is neutral and non-polar, with valine, which is neutral and non-polar, at codon 478 of the SLC26A1 protein (p.Ala478Val). This variant is present in population databases (rs771589744, gnomAD 0.02%). This variant has not been reported in the literature in individuals affected with SLC26A1-related conditions. ClinVar contains an entry for this variant (Variation ID: 2389036). Invitae Evidence Modeling of protein sequence and biophysical properties (such as structural, functional, and spatial information, amino acid conservation, physicochemical variation, residue mobility, and thermodynamic stability) indicates that this missense variant is not expected to disrupt SLC26A1 protein function with a negative predictive value of 80%. In summary, the available evidence is currently insufficient to determine the role of this variant in disease. Therefore, it has been classified as a Variant of Uncertain Significance.

Ambry Genetics
Classification: Uncertain significance for Inborn genetic diseases. Last evaluated: 2021-07-26. Review status: criteria provided, single submitter. Criteria: Ambry Variant Classification Scheme 2023. Collection method: clinical testing. Allele origin: germline.